The following is an entry in ClinVar:

NM_024675.4(PALB2):c.595C>A (p.Leu199Ile)

Gene: PALB2 (partner and localizer of BRCA2; minus strand). Cytogenetic location: 16p12.2.
Variant type: single nucleotide variant.
Coding change: c.595C>A on transcript NM_024675.4 (MANE Select); coding-DNA position 595, C replaced by A.
Protein change: p.Leu199Ile; replaces leucine 199 with isoleucine.
Molecular consequence: missense variant. On other transcripts: 5 prime UTR variant (8), intron variant (3).
Genome position (GRCh38, 1-based): chr16:23,635,951, G>T on the plus strand (C>A on the coding strand, the complement: PALB2 is on the minus strand). VCF-style: chr16-23635951-G-T. GRCh37 (hg19) VCF-style: chr16-23647272-G-T.
Other names: c.535C>A, p.Leu179Ile (NM_001407296.1); c.595C>A, p.Leu199Ile (NM_001407297.1, NM_001407298.1, NM_001407299.1 and 3 more transcripts); c.-291C>A (NM_001407304.1, NM_001407305.1, NM_001407306.1 and 5 more transcripts); c.48+5159C>A (NM_001407314.1); c.-105+5159C>A (NM_001407313.1, NM_001407312.1); short protein forms L179I, L199I.
Identifiers: ClinVar variation 2717370 (VCV002717370.3), dbSNP rs876660851, ClinGen allele CA395136711.

ClinVar aggregate classification (germline): Uncertain significance (1 of 4 stars; one submission).

Conditions:
Familial cancer of breast. Also called: Hereditary breast cancer; BREAST CANCER, FAMILIAL; hereditary breast carcinoma. Identifiers: Orphanet 227535, MedGen C0346153, MONDO:0016419, OMIM 114480. Disease mechanism: loss of function.

Submission:

Labcorp Genetics (formerly Invitae), Labcorp
Classification: Uncertain significance for Familial cancer of breast. Last evaluated: 2023-07-08. Review status: criteria provided, single submitter. Criteria: Invitae Variant Classification Sherloc (09022015). Collection method: clinical testing. Allele origin: germline.
Comment: This sequence change replaces leucine, which is neutral and non-polar, with isoleucine, which is neutral and non-polar, at codon 199 of the PALB2 protein (p.Leu199Ile). This variant is not present in population databases (gnomAD no frequency). This variant has not been reported in the literature in individuals affected with PALB2-related conditions. An algorithm developed to predict the effect of missense changes on protein structure and function (PolyPhen-2) suggests that this variant is likely to be tolerated. In summary, the available evidence is currently insufficient to determine the role of this variant in disease. Therefore, it has been classified as a Variant of Uncertain Significance.